The following is an entry in ClinVar:

NM_001370259.2(MEN1):c.1462A>C (p.Lys488Gln)

Gene: MEN1 (menin 1; minus strand). Cytogenetic location: 11q13.1.
Variant type: single nucleotide variant.
Coding change: c.1462A>C on transcript NM_001370259.2 (MANE Select); coding-DNA position 1462, A replaced by C.
Protein change: p.Lys488Gln; replaces lysine 488 with glutamine.
Molecular consequence: missense variant.
Genome position (GRCh38, 1-based): chr11:64,804,705, T>G on the plus strand (A>C on the coding strand, the complement: MEN1 is on the minus strand). VCF-style: chr11-64804705-T-G. GRCh37 (hg19) VCF-style: chr11-64572177-T-G.
Other names: c.1477A>C, p.Lys493Gln (NM_000244.4, NM_130801.3, NM_130802.3 and 3 more transcripts); c.1588A>C, p.Lys530Gln (NM_001370251.2); c.1462A>C, p.Lys488Gln (NM_001370260.2, NM_001370261.2, NM_130799.3); c.1357A>C, p.Lys453Gln (NM_001370262.2, NM_001370263.2); short protein forms K488Q, K493Q, K453Q, K530Q.
Identifiers: ClinVar variation 965401 (VCV000965401.9), dbSNP rs1941546101, ClinGen allele CA381179166.

ClinVar aggregate classification (germline): Uncertain significance (1 of 4 stars; one submission).

Conditions:
Multiple endocrine neoplasia, type 1 (MEN1). Also called: MEA I; MEN I; WERMER SYNDROME; Endocrine adenomatosis multiple; MEN 1. Identifiers: Orphanet 652, MedGen C0025267, MeSH D018761, MONDO:0007540, OMIM 131100.

Submission:

Labcorp Genetics (formerly Invitae), Labcorp
Classification: Uncertain significance for Multiple endocrine neoplasia, type 1. Last evaluated: 2019-11-02. Review status: criteria provided, single submitter. Criteria: Invitae Variant Classification Sherloc (09022015). Collection method: clinical testing. Allele origin: germline.
Comment: Algorithms developed to predict the effect of missense changes on protein structure and function are either unavailable or do not agree on the potential impact of this missense change (SIFT: "Deleterious"; PolyPhen-2: "Probably Damaging"; Align-GVGD: "Class C0"). This variant is not present in population databases (ExAC no frequency). This variant has not been reported in the literature in individuals with MEN1-related conditions. This sequence change replaces lysine with glutamine at codon 488 of the MEN1 protein (p.Lys488Gln). The lysine residue is highly conserved and there is a small physicochemical difference between lysine and glutamine. In summary, the available evidence is currently insufficient to determine the role of this variant in disease. Therefore, it has been classified as a Variant of Uncertain Significance.